The following is an entry in ClinVar:

NM_000089.4(COL1A2):c.2026-2A>G

Gene: COL1A2 (collagen type I alpha 2 chain; plus strand). Cytogenetic location: 7q21.3.
Variant type: single nucleotide variant.
Coding change: c.2026-2A>G on transcript NM_000089.4 (MANE Select); the canonical splice acceptor site of the intron before coding-DNA position 2026, A replaced by G.
Molecular consequence: splice acceptor variant.
Genome position (GRCh38, 1-based): chr7:94,419,496, A>G. VCF-style: chr7-94419496-A-G. GRCh37 (hg19) VCF-style: chr7-94048808-A-G.
Identifiers: ClinVar variation 2941338 (VCV002941338.4), dbSNP rs111662392, ClinGen allele CA162932294.

ClinVar aggregate classification (germline): Pathogenic/Likely pathogenic. Review status: criteria provided, multiple submitters, no conflicts (2 of 4 stars). 2 submissions from 2 submitters: Pathogenic (1); Likely pathogenic (1). Last evaluated 2025-09-15.

Conditions:
Osteogenesis imperfecta type I (OI1). Also called: Lobstein disease; OI, TYPE I; OSTEOGENESIS IMPERFECTA TARDA; OSTEOGENESIS IMPERFECTA WITH BLUE SCLERAE; Osteogenesis imperfecta type 1; Lobstein's Disease. Identifiers: Orphanet 216796, Orphanet 666, MedGen C0023931, MONDO:0008146, OMIM 166200. Disease mechanism: loss of function.
Ehlers-Danlos syndrome, classic type, 1 (EDSCL1). Also called: EDS I; EHLERS-DANLOS SYNDROME, GRAVIS TYPE; EHLERS-DANLOS SYNDROME, SEVERE CLASSIC TYPE; Ehlers-Danlos syndrome, type 1; Ehlers-Danlos Syndrome, Classic Type, COL5A1-Related. Identifiers: MedGen C0268335, MONDO:0019567, OMIM 130000.

Allele frequency attached by ClinVar (database versions not stated): TOPMed below 0.00001.

Submissions (2):

Labcorp Genetics (formerly Invitae), Labcorp
Classification: Likely pathogenic for Osteogenesis imperfecta type I; Ehlers-Danlos syndrome, classic type, 1. Last evaluated: 2025-09-15. Review status: criteria provided, single submitter. Criteria: Invitae Variant Classification Sherloc (09022015). Collection method: clinical testing. Allele origin: germline.
Comment: This sequence change affects an acceptor splice site in intron 33 of the COL1A2 gene. It is expected to disrupt RNA splicing. Variants that disrupt the donor or acceptor splice site typically lead to a loss of protein function (PMID: 16199547), and loss-of-function variants in COL1A2 are known to be pathogenic (PMID: 11288717, 15077201). This variant is not present in population databases (gnomAD no frequency). This variant has not been reported in the literature in individuals affected with COL1A2-related conditions. ClinVar contains an entry for this variant (Variation ID: 2941338). Algorithms developed to predict the effect of sequence changes on RNA splicing suggest that this variant may disrupt the consensus splice site. In summary, the currently available evidence indicates that the variant is pathogenic, but additional data are needed to prove that conclusively. Therefore, this variant has been classified as Likely Pathogenic.

GeneDx
Classification: Pathogenic. Last evaluated: 2025-05-01. Review status: criteria provided, single submitter. Criteria: GeneDx Variant Classification Process June 2021. Collection method: clinical testing. Allele origin: germline. Affected: yes.
Comment: Damages or destroys the splice acceptor site in intron 33, and is expected to cause abnormal gene splicing; if the splice outcome is exon skip, the loss of the encoded residues in the triple helical region is expected to disrupt normal protein folding and function, and this is an established mechanism of disease (HGMD); Not observed at significant frequency in large population cohorts (gnomAD); Has not been previously published as pathogenic or benign to our knowledge

Literature cited by the submitters: PubMed 16199547 (cited by Labcorp Genetics (formerly Invitae), Labcorp); PubMed 11288717 (cited by Labcorp Genetics (formerly Invitae), Labcorp); PubMed 15077201 (cited by Labcorp Genetics (formerly Invitae), Labcorp).